The following is an entry in ClinVar:

NM_000755.5(CRAT):c.392A>G (p.Asp131Gly)

Gene: CRAT (carnitine O-acetyltransferase; minus strand). Cytogenetic location: 9q34.11.
Variant type: single nucleotide variant.
Coding change: c.392A>G on transcript NM_000755.5 (MANE Select); coding-DNA position 392, A replaced by G.
Protein change: p.Asp131Gly; replaces aspartic acid 131 with glycine.
Molecular consequence: missense variant.
Genome position (GRCh38, 1-based): chr9:129,104,206, T>C on the plus strand (A>G on the coding strand, the complement: CRAT is on the minus strand). VCF-style: chr9-129104206-T-C. GRCh37 (hg19) VCF-style: chr9-131866485-T-C.
Other names: c.329A>G, p.Asp110Gly (NM_001257363.3, NM_001346548.2, NM_004003.4); c.395A>G, p.Asp132Gly (NM_001346546.2); c.392A>G, p.Asp131Gly (NM_001346547.2); c.272A>G, p.Asp91Gly (NM_001346549.2); short protein forms D132G, D110G, D131G, D91G.
Identifiers: ClinVar variation 3642083 (VCV003642083.2).

ClinVar aggregate classification (germline): Uncertain significance (1 of 4 stars; one submission).

Submission:

Labcorp Genetics (formerly Invitae), Labcorp
Classification: Uncertain significance. Last evaluated: 2024-02-26. Review status: criteria provided, single submitter. Criteria: Invitae Variant Classification Sherloc (09022015). Collection method: clinical testing. Allele origin: germline.
Comment: This sequence change replaces aspartic acid, which is acidic and polar, with glycine, which is neutral and non-polar, at codon 131 of the CRAT protein (p.Asp131Gly). This variant is not present in population databases (gnomAD no frequency). This variant has not been reported in the literature in individuals affected with CRAT-related conditions. Advanced modeling of protein sequence and biophysical properties (such as structural, functional, and spatial information, amino acid conservation, physicochemical variation, residue mobility, and thermodynamic stability) performed at Invitae indicates that this missense variant is not expected to disrupt CRAT protein function with a negative predictive value of 80%. In summary, the available evidence is currently insufficient to determine the role of this variant in disease. Therefore, it has been classified as a Variant of Uncertain Significance.